The following is an entry in ClinVar:

NM_003742.4(ABCB11):c.2944G>A (p.Gly982Arg)

Gene: ABCB11 (ATP binding cassette subfamily B member 11; minus strand). Cytogenetic location: 2q31.1.
Variant type: single nucleotide variant.
Coding change: c.2944G>A on transcript NM_003742.4 (MANE Select); coding-DNA position 2944, G replaced by A.
Protein change: p.Gly982Arg; replaces glycine 982 with arginine.
Molecular consequence: missense variant.
Genome position (GRCh38, 1-based): chr2:168,935,296, C>T on the plus strand (G>A on the coding strand, the complement: ABCB11 is on the minus strand). VCF-style: chr2-168935296-C-T. GRCh37 (hg19) VCF-style: chr2-169791806-C-T.
Other names: c.2944G>A, p.Gly982Arg (LRG_1199t1); short protein forms G982R.
Identifiers: ClinVar variation 595313 (VCV000595313.21), dbSNP rs72549399, ClinGen allele CA1951147.
Genomic context (GRCh38, chr2:168,935,296, plus strand): 5'-ATCTGTAGGAAGCAGAATTCGCAATAAACATGATGCACTGGGCAAAGGCAAAGCAGAATC[C>T]GTAAATATTGGCTTTCTGAATGGCTGTCTTGAAGGGCTTCTCCAGCTCAGTCTCAAGTGC-3'
Protein context (NP_003733.2, residues 972-992): KTAIQKANIY[Gly982Arg]FCFAFAQCIM

ClinVar aggregate classification (germline): Pathogenic. Review status: criteria provided, multiple submitters, no conflicts (2 of 4 stars). 9 submissions from 9 submitters: Pathogenic (9). Last evaluated 2026-04-14.

Conditions:
Familial intrahepatic cholestasis. Identifiers: Orphanet 284385, MedGen CN296401, MONDO:0017290.
Benign recurrent intrahepatic cholestasis type 2 (BRIC2). Also called: Recurrent familial intrahepatic cholestasis 2. Identifiers: Orphanet 65682, Orphanet 99961, MedGen C2608083, MONDO:0011559, OMIM 605479.
Progressive familial intrahepatic cholestasis type 2. Identifiers: Orphanet 79304, MedGen C3489789, MONDO:0011156, OMIM 601847.
ABCB11-related disorder. Also called: ABCB11-related condition.

Allele frequency attached by ClinVar (database versions not stated): gnomAD 0.00001; gnomAD exomes 0.00001 and below 0.00001; TOPMed 0.00001; ExAC 0.00001.
gnomAD v4.1: 9 of 1,613,790 alleles (0.00056%); highest among the groups gnomAD compares: Admixed American, 0.0017%; no homozygotes.

Submissions (9):

Genomenon, Inc
Classification: Pathogenic for Familial intrahepatic cholestasis. Last evaluated: 2026-04-14. Review status: criteria provided, single submitter. Criteria: Genomenon Sequence Variant Interpretation Standards - Updated. Collection method: curation. Allele origin: germline. Affected: yes.
Comment: ABCB11 p.Gly982Arg (c.2944G>A) is a missense variant that changes the amino acid at residue 982 from Glycine to Arginine. This variant has been observed in at least one proband with an ABCB11-related disorder (PMID:35780807;32808743;28039895;10579978;18395098;20232290;19642168;9806540;26382629;21490445). The variant was found to segregate with disease in at least one affected family (PMID:20232290;19642168;21490445). At least one functional study has demonstrated a substantial alteration in protein function relative to the wild-type (PMID:17947449;20010382;12370274). It is absent or not present at a significant frequency in gnomAD. In silico models predict that this variant is possibly or probably damaging. In conclusion, we classify ABCB11 p.Gly982Arg (c.2944G>A) as a pathogenic variant.

Natera, Inc.
Classification: Pathogenic for Progressive familial intrahepatic cholestasis type 2. Last evaluated: 2025-03-07. Review status: criteria provided, single submitter. Criteria: Natera Variant Classification Schema (03/2026). Collection method: clinical testing. Allele origin: germline.
Comment: The c.2944G>A variant in ABCB11 is a missense variant predicted to cause substitution of glycine to arginine at amino acid 982. This variant is rare in the general population with a frequency below the threshold expected for the associated phenotype(s). This variant has been observed in one or more individuals affected with the associated recessive disease, as either homozygous or compound heterozygous with a second variant (PMID: 9806540, 34016879, 32087350). Computational prediction algorithms indicate this variant is likely to affect gene or protein function. Given the available evidence, this variant is classified as Pathogenic.

Baylor Genetics
Classification: Pathogenic for Benign recurrent intrahepatic cholestasis type 2. Last evaluated: 2024-03-20. Review status: criteria provided, single submitter. Criteria: ACMG Guidelines, 2015. Collection method: clinical testing. Allele origin: unknown.

Genomic Medicine Center of Excellence, King Faisal Specialist Hospital and Research Centre
Classification: Pathogenic for Progressive familial intrahepatic cholestasis type 2. Last evaluated: 2024-03-17. Review status: criteria provided, single submitter. Criteria: ACMG Guidelines, 2015. Collection method: research. Allele origin: germline.

Labcorp Genetics (formerly Invitae), Labcorp
Classification: Pathogenic. Last evaluated: 2024-03-09. Review status: criteria provided, single submitter. Criteria: Invitae Variant Classification Sherloc (09022015). Collection method: clinical testing. Allele origin: germline.
Comment: This sequence change replaces glycine, which is neutral and non-polar, with arginine, which is basic and polar, at codon 982 of the ABCB11 protein (p.Gly982Arg). This variant is present in population databases (rs72549399, gnomAD 0.003%). This missense change has been observed in individuals with familial progressive intrahepatic cholestasis type 2 (PMID: 9806540, 18395098, 20232290, 25716872). ClinVar contains an entry for this variant (Variation ID: 595313). Advanced modeling of protein sequence and biophysical properties (such as structural, functional, and spatial information, amino acid conservation, physicochemical variation, residue mobility, and thermodynamic stability) performed at Invitae indicates that this missense variant is expected to disrupt ABCB11 protein function with a positive predictive value of 95%. Experimental studies have shown that this missense change affects ABCB11 function (PMID: 12370274, 18798335, 19101985, 25716872). For these reasons, this variant has been classified as Pathogenic.

Fulgent Genetics
Classification: Pathogenic for Progressive familial intrahepatic cholestasis type 2; Benign recurrent intrahepatic cholestasis type 2. Last evaluated: 2021-12-06. Review status: criteria provided, single submitter. Criteria: ACMG Guidelines, 2015. Collection method: clinical testing. Allele origin: unknown.

Blueprint Genetics
Classification: Pathogenic for ABCB11-related disorders. Last evaluated: 2018-02-08. Review status: criteria provided, single submitter. Criteria: ACMG Guidelines, 2015. Collection method: clinical testing. Allele origin: germline. Affected: yes. Observed: 1 variant allele.

Eurofins Ntd Llc (ga)
Classification: Pathogenic. Last evaluated: 2017-12-07. Review status: criteria provided, single submitter. Criteria: EGL Classification Definitions 2015. Collection method: clinical testing. Allele origin: germline. Observed: 1 variant allele, 1 heterozygote.

Neuberg Centre For Genomic Medicine, NCGM
Classification: Pathogenic for Progressive familial intrahepatic cholestasis type 2. Review status: criteria provided, single submitter. Criteria: ACMG Guidelines, 2015. Collection method: clinical testing. Allele origin: germline. Inheritance: Autosomal recessive inheritance. Affected: yes.
Comment: The missense c.2944G>Ap.Gly982Arg variant in ABCB11 gene has been reported previously in homozygous or compound heterozygous state in individuals affected with familial progressive intrahepatic cholestasis type 2 Gonzales E et al., 2015. Experimental studies have shown that this missense change affects ABCB11 function Byrne JA et al., 2009. This variant is reported with the allele frequency of 0.0004% in the gnomAD Exomes and novel in 1000 Genomes. This variant has been reported to the ClinVar database as Pathogenic by multiple submitters. The variant is predicted as damaging by SIFT. The amino acid Gly at position 982 is changed to a Arg changing protein sequence and it might alter its composition and physico-chemical properties. The amino acid change p.Gly982Arg in ABCB11 is predicted as conserved by GERP++ and PhyloP across 100 vertebrates. For these reasons, this variant has been classified as Pathogenic.

Literature cited by the submitters: PubMed 35780807 (cited by Genomenon, Inc); PubMed 32808743 (cited by Genomenon, Inc); PubMed 28039895 (cited by Genomenon, Inc); PubMed 10579978 (cited by Genomenon, Inc); PubMed 18395098 (cited by Genomenon, Inc and Labcorp Genetics (formerly Invitae), Labcorp); PubMed 20232290 (cited by Genomenon, Inc and Labcorp Genetics (formerly Invitae), Labcorp); PubMed 19642168 (cited by Genomenon, Inc); PubMed 9806540 (cited by 3 submitters); PubMed 26382629 (cited by Genomenon, Inc); PubMed 21490445 (cited by Genomenon, Inc); PubMed 17947449 (cited by Genomenon, Inc); PubMed 20010382 (cited by Genomenon, Inc); PubMed 12370274 (cited by Genomenon, Inc and Labcorp Genetics (formerly Invitae), Labcorp); PubMed 34016879 (cited by Natera, Inc.); PubMed 32087350 (cited by Natera, Inc.); PubMed 25716872 (cited by Labcorp Genetics (formerly Invitae), Labcorp); PubMed 18798335 (cited by Labcorp Genetics (formerly Invitae), Labcorp); PubMed 19101985 (cited by Labcorp Genetics (formerly Invitae), Labcorp).